The following is an entry in ClinVar:

NM_145038.5(DRC1):c.1639G>A (p.Val547Met)

Gene: DRC1 (dynein regulatory complex subunit 1; plus strand). Cytogenetic location: 2p23.3.
Variant type: single nucleotide variant.
Coding change: c.1639G>A on transcript NM_145038.5 (MANE Select); coding-DNA position 1639, G replaced by A.
Protein change: p.Val547Met; replaces valine 547 with methionine.
Molecular consequence: missense variant.
Genome position (GRCh38, 1-based): chr2:26,450,631, G>A. VCF-style: chr2-26450631-G-A. GRCh37 (hg19) VCF-style: chr2-26673499-G-A.
Other names: c.1639G>A (NM_145038.2); short protein forms V547M.
Identifiers: ClinVar variation 1384421 (VCV001384421.5), dbSNP rs760306333, ClinGen allele CA1562349.

ClinVar aggregate classification (germline): Uncertain significance. Review status: criteria provided, multiple submitters, no conflicts (2 of 4 stars). 2 submissions from 2 submitters: Uncertain significance (2). Last evaluated 2023-04-07.

Conditions:
Inborn genetic diseases. Identifiers: MedGen C0950123, MeSH D030342.
Primary ciliary dyskinesia. Also called: Ciliary dyskinesia. Identifiers: Orphanet 244, MedGen C0008780, MONDO:0016575, HP:0012265.

Allele frequency attached by ClinVar (database versions not stated): gnomAD 0.00002; TOPMed 0.00002; ExAC 0.00004; gnomAD exomes 0.00004.

Submissions (2):

Ambry Genetics
Classification: Uncertain significance for Inborn genetic diseases. Last evaluated: 2023-04-07. Review status: criteria provided, single submitter. Criteria: Ambry Variant Classification Scheme 2023. Collection method: clinical testing. Allele origin: germline.

Labcorp Genetics (formerly Invitae), Labcorp
Classification: Uncertain significance for Primary ciliary dyskinesia. Last evaluated: 2021-09-25. Review status: criteria provided, single submitter. Criteria: Invitae Variant Classification Sherloc (09022015). Collection method: clinical testing. Allele origin: germline.
Comment: This sequence change replaces valine with methionine at codon 547 of the DRC1 protein (p.Val547Met). The valine residue is moderately conserved and there is a small physicochemical difference between valine and methionine. This variant is present in population databases (rs760306333, ExAC 0.06%). This variant has not been reported in the literature in individuals affected with DRC1-related conditions. Algorithms developed to predict the effect of missense changes on protein structure and function are either unavailable or do not agree on the potential impact of this missense change (SIFT: "Tolerated"; PolyPhen-2: "Not Available"; Align-GVGD: "Class C0"). In summary, the available evidence is currently insufficient to determine the role of this variant in disease. Therefore, it has been classified as a Variant of Uncertain Significance.